The following is an entry in ClinVar:

NM_024721.5(ZFHX4):c.6832C>T (p.Arg2278Cys)

Gene: ZFHX4 (zinc finger homeobox 4; plus strand). Cytogenetic location: 8q21.13.
Variant type: single nucleotide variant.
Coding change: c.6832C>T on transcript NM_024721.5 (MANE Select); coding-DNA position 6832, C replaced by T.
Protein change: p.Arg2278Cys; replaces arginine 2278 with cysteine.
Molecular consequence: missense variant.
Genome position (GRCh38, 1-based): chr8:76,853,753, C>T. VCF-style: chr8-76853753-C-T. GRCh37 (hg19) VCF-style: chr8-77765989-C-T.
Other names: c.6754C>T, p.Arg2252Cys (NM_001410934.1); short protein forms R2252C, R2278C.
Identifiers: ClinVar variation 3900800 (VCV003900800.1).

ClinVar aggregate classification (germline): Uncertain significance (1 of 4 stars; one submission).

gnomAD v4.1: 2 of 1,613,426 alleles (0.00012%); highest among the groups gnomAD compares: Non-Finnish European, 0.00017%; no homozygotes.

Submission:

GeneDx
Classification: Uncertain significance. Last evaluated: 2024-12-02. Review status: criteria provided, single submitter. Criteria: GeneDx Variant Classification Process June 2021. Collection method: clinical testing. Allele origin: germline. Affected: yes.
Comment: Not observed at significant frequency in large population cohorts (gnomAD); Variants in candidate genes are classified as variants of uncertain significance in accordance with ACMG guidelines (PMID: 25741868); In silico analysis supports that this missense variant has a deleterious effect on protein structure/function; Has not been previously published as pathogenic or benign to our knowledge